The following is an entry in ClinVar:

ClinVar aggregate classification (germline): Uncertain significance (1 of 4 stars; one submission).

Submission:

Labcorp Genetics (formerly Invitae), Labcorp
Classification: Uncertain significance. Last evaluated: 2022-06-27. Review status: criteria provided, single submitter. Criteria: Invitae Variant Classification Sherloc (09022015). Collection method: clinical testing. Allele origin: germline.
Comment: This variant is not present in population databases (gnomAD no frequency). In summary, the available evidence is currently insufficient to determine the role of this variant in disease. Therefore, it has been classified as a Variant of Uncertain Significance. Advanced modeling of protein sequence and biophysical properties (such as structural, functional, and spatial information, amino acid conservation, physicochemical variation, residue mobility, and thermodynamic stability) performed at Invitae indicates that this missense variant is expected to disrupt CLCNKB protein function. This variant has not been reported in the literature in individuals affected with CLCNKB-related conditions. This sequence change replaces proline, which is neutral and non-polar, with serine, which is neutral and polar, at codon 341 of the CLCNKB protein (p.Pro341Ser).

NM_000085.5(CLCNKB):c.1021C>T (p.Pro341Ser)

Genes: CLCNKB (chloride voltage-gated channel Kb; plus strand), LOC106501713 (CLCNKB recombination region; plus strand). Cytogenetic location: 1p36.13.
Variant type: single nucleotide variant.
Coding change: c.1021C>T on transcript NM_000085.5 (MANE Select); coding-DNA position 1021, C replaced by T.
Protein change: p.Pro341Ser; replaces proline 341 with serine.
Molecular consequence: missense variant.
Genome position (GRCh38, 1-based): chr1:16,050,568, C>T. VCF-style: chr1-16050568-C-T. GRCh37 (hg19) VCF-style: chr1-16377063-C-T.
Other names: c.514C>T, p.Pro172Ser (NM_001165945.2); short protein forms P341S, P172S.
Identifiers: ClinVar variation 1346430 (VCV001346430.6), dbSNP rs2124098826, ClinGen allele CA338640295.
Genomic context (GRCh38, chr1:16,050,568, plus strand): 5'-CCCCACAGCAAGCCTGTGTACTCCGCTCTGGCCACCTTGGTTCTCGCCTCCATCACCTAC[C>T]CACCCAGCGCCGGCCGCTTCCTAGCTTCTCGGGTAAGGGGCCTTGAGTGGGGTGGCAGGA-3'
Protein context (NP_000076.2, residues 331-351): ATLVLASITY[Pro341Ser]PSAGRFLASR